The following is an entry in ClinVar:

ClinVar aggregate classification (germline): Likely benign (0 of 4 stars; one submission).

Conditions:
CRYAA2-related condition.

Submission:

PreventionGenetics, part of Exact Sciences
Classification: Likely benign for CRYAA2-related condition. Last evaluated: 2019-08-15. Review status: no assertion criteria provided. Collection method: clinical testing. Allele origin: germline.
Comment: This variant is classified as likely benign based on ACMG/AMP sequence variant interpretation guidelines (Richards et al. 2015 PMID: 25741868, with internal and published modifications).

NM_001314050.5(LOC102724652):c.190-193C>T

Gene: LOC102724652 (crystallin alpha A2; plus strand). Cytogenetic location: 21p12.
Variant type: single nucleotide variant.
Coding change: c.190-193C>T on transcript NM_001314050.5; 193 bases into the intron before coding-DNA position 190, C replaced by T.
Molecular consequence: intron variant. On other transcripts: 5 prime UTR variant (1).
Genome position (GRCh38, 1-based): chr21:6,562,008, C>T. VCF-style: chr21-6562008-C-T.
Other names: c.-8C>T (NM_001320719.1).
Identifiers: ClinVar variation 3358502 (VCV003358502.1).